The following is an entry in ClinVar:

NM_000059.4(BRCA2):c.6313dup (p.Ile2105fs)

Gene: BRCA2 (BRCA2 DNA repair associated; plus strand). Cytogenetic location: 13q13.1.
Variant type: Duplication.
Coding change: c.6313dup on transcript NM_000059.4 (MANE Select); coding-DNA position 6313, one base duplicated (A; older notation c.6313dupA).
Protein change: p.Ile2105fs; shifts the reading frame from isoleucine 2105.
Molecular consequence: frameshift variant.
Genome position (GRCh38, 1-based): chr13:32,340,668, A duplicated; the last of 5 consecutive A bases (chr13:32,340,664-32,340,668); duplicating any one gives the same sequence. VCF-style (leftmost placement, unchanged base first): chr13-32340663-C-CA. GRCh37 (hg19) VCF-style: chr13-32914800-C-CA.
Other names: short protein forms I2105fs.
Identifiers: ClinVar variation 2736004 (VCV002736004.3), dbSNP rs886040649, ClinGen allele CA919242680.
Genomic context (GRCh38, chr13:32,340,663, plus strand): 5'-TTGATTTAATCAGAACTGAGCATAGTCTTCACTATTCACCTACGTCTAGACAAAATGTAT[C>CA]AAAAATACTTCCTCGTGTTGATAAGAGAAACCCAGAGCACTGTGTAAACTCAGAAATGGA-3'

ClinVar aggregate classification (germline): Pathogenic (1 of 4 stars; one submission).

Conditions:
Hereditary breast ovarian cancer syndrome. Also called: BRCA1- and BRCA2-Associated Hereditary Breast and Ovarian Cancer; Hereditary breast and/or ovarian cancer syndrome; Hereditary breast and ovarian cancer; Hereditary breast and ovarian cancer syndrome (HBOC); Breast and ovarian cancer; Hereditary breast and ovarian cancer syndrome. Identifiers: Orphanet 145, MedGen C0677776, MeSH D061325, MONDO:0003582. Disease mechanism: loss of function.

Submission:

Labcorp Genetics (formerly Invitae), Labcorp
Classification: Pathogenic for Hereditary breast ovarian cancer syndrome. Last evaluated: 2024-04-16. Review status: criteria provided, single submitter. Criteria: Invitae Variant Classification Sherloc (09022015). Collection method: clinical testing. Allele origin: germline.
Comment: This sequence change creates a premature translational stop signal (p.Ile2105Asnfs*6) in the BRCA2 gene. It is expected to result in an absent or disrupted protein product. Loss-of-function variants in BRCA2 are known to be pathogenic (PMID: 20104584). This variant is not present in population databases (gnomAD no frequency). This premature translational stop signal has been observed in individual(s) with BRCA2-related conditions (PMID: 28724667). For these reasons, this variant has been classified as Pathogenic.

Literature cited by the submitters: PubMed 20104584; PubMed 28724667.